The following is an entry in ClinVar:

ClinVar aggregate classification (germline): Pathogenic (1 of 4 stars; one submission).

Conditions:
Blepharophimosis, ptosis, and epicanthus inversus syndrome. Identifiers: Orphanet 126, MedGen C0220663, MONDO:0007201, OMIM 110100.

Submission:

3billion
Classification: Pathogenic for Blepharophimosis, ptosis, and epicanthus inversus syndrome. Last evaluated: 2022-09-01. Review status: criteria provided, single submitter. Criteria: ACMG Guidelines, 2015. Collection method: clinical testing. Allele origin: germline. Affected: yes. Observed: 1 heterozygote.
Comment: The variant is not observed in the gnomAD v2.1.1 dataset. Frameshift variant is predicted to result in a loss or disruption of normal protein function through protein truncation. Multiple pathogenic variants are reported in the predicted truncated region. The variant has been reported to be associated with FOXL2-related disorder (PMID: 27914838). Therefore, this variant is classified as Pathogenic according to the recommendation of ACMG/AMP guideline.

Literature cited by the submitters: PubMed 27914838.

NM_023067.4(FOXL2):c.768dup (p.Pro257fs)

Gene: FOXL2 (forkhead box L2; minus strand). Cytogenetic location: 3q22.3.
Variant type: Duplication.
Coding change: c.768dup on transcript NM_023067.4 (MANE Select); coding-DNA position 768, one base duplicated (G; older notation c.768dupG).
Protein change: p.Pro257fs; shifts the reading frame from proline 257.
Molecular consequence: frameshift variant.
Genome position (GRCh38, 1-based): chr3:138,945,955, C duplicated on the plus strand (G on the coding strand, the reverse complement: FOXL2 is on the minus strand); the first of 3 consecutive C bases (chr3:138,945,955-138,945,957); duplicating any one gives the same sequence. VCF-style (leftmost placement, unchanged base first): chr3-138945954-G-GC. GRCh37 (hg19) VCF-style: chr3-138664796-G-GC.
Other names: short protein forms P257fs.
Identifiers: ClinVar variation 1705491 (VCV001705491.1), dbSNP rs2473812496, ClinGen allele CA2580068844.